The following is an entry in ClinVar:

NM_000587.4(C7):c.1853G>A (p.Arg618Gln)

Gene: C7 (complement C7; plus strand). Cytogenetic location: 5p13.1.
Variant type: single nucleotide variant.
Coding change: c.1853G>A on transcript NM_000587.4 (MANE Select); coding-DNA position 1853, G replaced by A.
Protein change: p.Arg618Gln; replaces arginine 618 with glutamine.
Molecular consequence: missense variant.
Genome position (GRCh38, 1-based): chr5:40,964,844, G>A. VCF-style: chr5-40964844-G-A. GRCh37 (hg19) VCF-style: chr5-40964946-G-A.
Other names: short protein forms R618Q.
Identifiers: ClinVar variation 1377138 (VCV001377138.5), dbSNP rs757348574, ClinGen allele CA3250104.

ClinVar aggregate classification (germline): Uncertain significance (1 of 4 stars; one submission).

Allele frequency attached by ClinVar (database versions not stated): ExAC 0.00001; gnomAD 0.00002 and 0.00003; TOPMed 0.00002; gnomAD exomes 0.00004.
gnomAD v4.1: 41 of 1,613,596 alleles (0.0025%); highest among the groups gnomAD compares: Middle Eastern, 0.016%; no homozygotes.

Submission:

Labcorp Genetics (formerly Invitae), Labcorp
Classification: Uncertain significance. Last evaluated: 2022-09-27. Review status: criteria provided, single submitter. Criteria: Invitae Variant Classification Sherloc (09022015). Collection method: clinical testing. Allele origin: germline.
Comment: This variant is present in population databases (rs757348574, gnomAD 0.007%). In summary, the available evidence is currently insufficient to determine the role of this variant in disease. Therefore, it has been classified as a Variant of Uncertain Significance. Advanced modeling of protein sequence and biophysical properties (such as structural, functional, and spatial information, amino acid conservation, physicochemical variation, residue mobility, and thermodynamic stability) performed at Invitae indicates that this missense variant is not expected to disrupt C7 protein function. ClinVar contains an entry for this variant (Variation ID: 1377138). This variant has not been reported in the literature in individuals affected with C7-related conditions. This sequence change replaces arginine, which is basic and polar, with glutamine, which is neutral and polar, at codon 618 of the C7 protein (p.Arg618Gln).